The following is an entry in ClinVar:

NM_000551.4(VHL):c.361G>A (p.Asp121Asn)

Genes: VHL (von Hippel-Lindau tumor suppressor; plus strand), LOC107303340 (3p25 von Hippel-Lindau tumor suppressor, E3 ubiquitin protein ligase Alu-mediated recombination region; plus strand). Cytogenetic location: 3p25.3.
Variant type: single nucleotide variant.
Coding change: c.361G>A on transcript NM_000551.4 (MANE Select); coding-DNA position 361, G replaced by A.
Protein change: p.Asp121Asn; replaces aspartic acid 121 with asparagine.
Molecular consequence: missense variant. On other transcripts: intron variant (2).
Genome position (GRCh38, 1-based): chr3:10,146,534, G>A. VCF-style: chr3-10146534-G-A. GRCh37 (hg19) VCF-style: chr3-10188218-G-A.
Other names: c.*18-3253G>A (NM_001354723.2); c.341-3253G>A (NM_198156.3); short protein forms D121N.
Identifiers: ClinVar variation 2203306 (VCV002203306.4), dbSNP rs2125128261, ClinGen allele CA351753750.

ClinVar aggregate classification (germline): Pathogenic (1 of 4 stars; one submission).

Conditions:
Chuvash polycythemia. Also called: POLYCYTHEMIA, VHL-DEPENDENT. Identifiers: Orphanet 238557, MedGen C1837915, MONDO:0009892, OMIM 263400.
Von Hippel-Lindau syndrome (VHLS). Also called: Von Hippel-Lindau; VHL syndrome; von Hippel–Lindau syndrome. Identifiers: Orphanet 892, MedGen C0019562, MONDO:0008667, OMIM 193300. Disease mechanism: loss of function.

Submission:

Labcorp Genetics (formerly Invitae), Labcorp
Classification: Pathogenic for Von Hippel-Lindau syndrome; Chuvash polycythemia. Last evaluated: 2021-12-16. Review status: criteria provided, single submitter. Criteria: Invitae Variant Classification Sherloc (09022015). Collection method: clinical testing. Allele origin: germline.
Comment: For these reasons, this variant has been classified as Pathogenic. This variant disrupts the p.Asp121 amino acid residue in VHL. Other variant(s) that disrupt this residue have been determined to be pathogenic (Invitae). This suggests that this residue is clinically significant, and that variants that disrupt this residue are likely to be disease-causing. Advanced modeling of protein sequence and biophysical properties (such as structural, functional, and spatial information, amino acid conservation, physicochemical variation, residue mobility, and thermodynamic stability) performed at Invitae indicates that this missense variant is expected to disrupt VHL protein function. This missense change has been observed in individual(s) with clinical features of von-Hippel Lindau syndrome (PMID: 16142346). It has also been observed to segregate with disease in related individuals. This variant is not present in population databases (gnomAD no frequency). This sequence change replaces aspartic acid, which is acidic and polar, with asparagine, which is neutral and polar, at codon 121 of the VHL protein (p.Asp121Asn).

Literature cited by the submitters: PubMed 16142346.